The following is an entry in ClinVar:

ClinVar aggregate classification (germline): Conflicting classifications of pathogenicity. Review status: criteria provided, conflicting classifications (1 of 4 stars). 2 submissions from 2 submitters: Uncertain significance (1); Likely benign (1). Last evaluated 2025-09-25.

Conditions:
EP300-related disorder. Also called: EP300-related condition; EP300-related disorders.

Submissions (2):

Dasa
Classification: Uncertain significance. Last evaluated: 2025-09-25. Review status: criteria provided, single submitter. Criteria: DASA Assertion Criteria. Collection method: clinical testing. Allele origin: germline.
Comment: NM_001429.4(EP300):c.3671+10T>C is a splice-region variant. This variant is absent from population databases. Computational prediction algorithms are consistent with a benign effect. The currently available literature and clinical evidence are not sufficient to establish a definitive association between this variant and the reported condition. Therefore, this variant is classified as a variant of uncertain significance.

PreventionGenetics, part of Exact Sciences
Classification: Likely benign for EP300-related condition. Last evaluated: 2024-11-23. Review status: criteria provided, single submitter. Criteria: ACMG Guidelines, 2015. Collection method: clinical testing. Allele origin: germline.
Comment: This variant is classified as likely benign based on ACMG/AMP sequence variant interpretation guidelines (Richards et al. 2015 PMID: 25741868, with internal and published modifications).

NM_001429.4(EP300):c.3671+10T>C

Gene: EP300 (EP300 lysine acetyltransferase; plus strand). Cytogenetic location: 22q13.2.
Variant type: single nucleotide variant.
Coding change: c.3671+10T>C on transcript NM_001429.4 (MANE Select); 10 bases into the intron after coding-DNA position 3671, T replaced by C.
Molecular consequence: intron variant.
Genome position (GRCh38, 1-based): chr22:41,160,732, T>C. VCF-style: chr22-41160732-T-C. GRCh37 (hg19) VCF-style: chr22-41556736-T-C.
Other names: c.3671+10T>C (NM_001429.3); c.3593+10T>C (NM_001362843.2).
Identifiers: ClinVar variation 4883789 (VCV004883789.3).
Genomic context (GRCh38, chr22:41,160,732, plus strand): 5'-GATCCAAGGGGAGAGCGTTTCTTTGGGGGATGACCCTTCCCAGCCTCAAACGTAAGTAAC[T>C]GCATTATTTTGAAAAGTGCTAATTAGTTTGTTGTCCAGTGATTATGCACAGCTTATTTCT-3'